The following is an entry in ClinVar:

NM_003738.5(PTCH2):c.1273G>A (p.Val425Met)

Gene: PTCH2 (patched 2; minus strand). Cytogenetic location: 1p34.1.
Variant type: single nucleotide variant.
Coding change: c.1273G>A on transcript NM_003738.5 (MANE Select); coding-DNA position 1273, G replaced by A.
Protein change: p.Val425Met; replaces valine 425 with methionine.
Molecular consequence: missense variant.
Genome position (GRCh38, 1-based): chr1:44,829,255, C>T on the plus strand (G>A on the coding strand, the complement: PTCH2 is on the minus strand). VCF-style: chr1-44829255-C-T. GRCh37 (hg19) VCF-style: chr1-45294927-C-T.
Other names: c.1273G>A, p.Val425Met (NM_001166292.2); short protein forms V425M.
Identifiers: ClinVar variation 843862 (VCV000843862.13), dbSNP rs776537011, ClinGen allele CA823364.

ClinVar aggregate classification (germline): Uncertain significance. Review status: criteria provided, multiple submitters, no conflicts (2 of 4 stars). 2 submissions from 2 submitters: Uncertain significance (2). Last evaluated 2025-08-08.

Conditions:
Gorlin syndrome. Also called: Nevoid Basal Cell Carcinoma Syndrome; Basal cell nevus syndrome. Identifiers: Orphanet 377, MedGen C0004779, MONDO:0007187.

Allele frequency attached by ClinVar (database versions not stated): ExAC 0.00001; gnomAD exomes 0.00002; TOPMed 0.00003.
gnomAD v4.1: 28 of 1,613,404 alleles (0.0017%); highest among the groups gnomAD compares: South Asian, 0.0099%; no homozygotes.

Submissions (2):

Ambry Genetics
Classification: Uncertain significance. Last evaluated: 2025-08-08. Review status: criteria provided, single submitter. Criteria: Ambry Variant Classification Scheme 2023. Collection method: clinical testing. Allele origin: germline.

Labcorp Genetics (formerly Invitae), Labcorp
Classification: Uncertain significance for Gorlin syndrome. Last evaluated: 2025-06-03. Review status: criteria provided, single submitter. Criteria: Invitae Variant Classification Sherloc (09022015). Collection method: clinical testing. Allele origin: germline.
Comment: This sequence change replaces valine, which is neutral and non-polar, with methionine, which is neutral and non-polar, at codon 425 of the PTCH2 protein (p.Val425Met). This variant is present in population databases (rs776537011, gnomAD 0.003%). This variant has not been reported in the literature in individuals affected with PTCH2-related conditions. ClinVar contains an entry for this variant (Variation ID: 843862). Invitae Evidence Modeling of protein sequence and biophysical properties (such as structural, functional, and spatial information, amino acid conservation, physicochemical variation, residue mobility, and thermodynamic stability) indicates that this missense variant is not expected to disrupt PTCH2 protein function with a negative predictive value of 80%. In summary, the available evidence is currently insufficient to determine the role of this variant in disease. Therefore, it has been classified as a Variant of Uncertain Significance.